The following is an entry in ClinVar:

NM_003906.5(MCM3AP):c.4243C>T (p.Leu1415Phe)

Genes: MCM3AP (minichromosome maintenance complex component 3 associated protein; minus strand), MCM3AP-AS1 (MCM3AP antisense RNA 1; plus strand). Cytogenetic location: 21q22.3.
Variant type: single nucleotide variant.
Coding change: c.4243C>T on transcript NM_003906.5 (MANE Select); coding-DNA position 4243, C replaced by T.
Protein change: p.Leu1415Phe; replaces leucine 1415 with phenylalanine.
Molecular consequence: missense variant. On other transcripts: non-coding transcript variant (2).
Genome position (GRCh38, 1-based): chr21:46,251,576, G>A on the plus strand (C>T on the coding strand, the complement: MCM3AP is on the minus strand). VCF-style: chr21-46251576-G-A. GRCh37 (hg19) VCF-style: chr21-47671490-G-A.
Other names: short protein forms L1415F.
Identifiers: ClinVar variation 1314277 (VCV001314277.9), dbSNP rs1280727692, ClinGen allele CA410547566.

ClinVar aggregate classification (germline): Uncertain significance. Review status: criteria provided, multiple submitters, no conflicts (2 of 4 stars). 2 submissions from 2 submitters: Uncertain significance (2). Last evaluated 2021-04-02.

Allele frequency attached by ClinVar (database versions not stated): gnomAD 0.00001; gnomAD exomes 0.00001 and 0.00003; TOPMed 0.00001.
gnomAD v4.1: 13 of 1,612,762 alleles (0.00081%); highest among the groups gnomAD compares: Admixed American, 0.013%; no homozygotes.

Submissions (2):

GeneDx
Classification: Uncertain significance. Last evaluated: 2021-04-02. Review status: criteria provided, single submitter. Criteria: GeneDx Variant Classification Process June 2021. Collection method: clinical testing. Allele origin: germline. Affected: yes.
Comment: In silico analysis supports that this missense variant does not alter protein structure/function; Has not been previously published as pathogenic or benign to our knowledge

Labcorp Genetics (formerly Invitae), Labcorp
Classification: Uncertain significance. Last evaluated: 2021-03-15. Review status: criteria provided, single submitter. Criteria: Invitae Variant Classification Sherloc (09022015). Collection method: clinical testing. Allele origin: germline.
Comment: In summary, the available evidence is currently insufficient to determine the role of this variant in disease. Therefore, it has been classified as a Variant of Uncertain Significance. Algorithms developed to predict the effect of missense changes on protein structure and function are either unavailable or do not agree on the potential impact of this missense change (SIFT: "Deleterious"; PolyPhen-2: "Probably Damaging"; Align-GVGD: "Class C0"). This variant has not been reported in the literature in individuals with MCM3AP-related conditions. This variant is not present in population databases (ExAC no frequency). This sequence change replaces leucine with phenylalanine at codon 1415 of the MCM3AP protein (p.Leu1415Phe). The leucine residue is highly conserved and there is a small physicochemical difference between leucine and phenylalanine.